The following is an entry in ClinVar:

NM_003718.5(CDK13):c.208G>A (p.Ala70Thr)

Genes: CDK13 (cyclin dependent kinase 13; plus strand), LOC129998292 (ATAC-STARR-seq lymphoblastoid silent region 18115; plus strand). Cytogenetic location: 7p14.1.
Variant type: single nucleotide variant.
Coding change: c.208G>A on transcript NM_003718.5 (MANE Select); coding-DNA position 208, G replaced by A.
Protein change: p.Ala70Thr; replaces alanine 70 with threonine.
Molecular consequence: missense variant.
Genome position (GRCh38, 1-based): chr7:39,950,849, G>A. VCF-style: chr7-39950849-G-A. GRCh37 (hg19) VCF-style: chr7-39990448-G-A.
Other names: c.208G>A, p.Ala70Thr (NM_031267.4); short protein forms A70T.
Identifiers: ClinVar variation 5034200 (VCV005034200.1).

ClinVar aggregate classification (germline): Uncertain significance (1 of 4 stars; one submission).

Conditions:
Inborn genetic diseases. Identifiers: MedGen C0950123, MeSH D030342.

gnomAD v4.1: 4 of 1,373,450 alleles (0.00029%); highest among the groups gnomAD compares: Non-Finnish European, 0.00037%; no homozygotes.

Submission:

Ambry Genetics
Classification: Uncertain significance for Inborn genetic diseases. Last evaluated: 2026-08-24. Review status: criteria provided, single submitter. Criteria: Ambry Variant Classification Scheme 2023. Collection method: clinical testing. Allele origin: germline.
Comment: The c.208G>A (p.A70T) alteration is located in exon 1 (coding exon 1) of the CDK13 gene. This alteration results from a G to A substitution at nucleotide position 208, causing the alanine (A) at amino acid position 70 to be replaced by a threonine (T). Based on data from gnomAD, the A allele has an overall frequency of 0.003% (1/39768) total alleles studied. The highest observed frequency was 0.005% (1/19042) of European (non-Finnish) alleles. Based on insufficient or conflicting evidence, the clinical significance of this alteration remains unclear.